The following is an entry in ClinVar:

NM_001267550.2(TTN):c.43796A>G (p.Glu14599Gly)

Gene: TTN (titin; minus strand). Cytogenetic location: 2q31.2.
Variant type: single nucleotide variant.
Coding change: c.43796A>G on transcript NM_001267550.2 (MANE Select); coding-DNA position 43796, A replaced by G.
Protein change: p.Glu14599Gly; replaces glutamic acid 14599 with glycine.
Molecular consequence: missense variant.
Genome position (GRCh38, 1-based): chr2:178,631,252, T>C on the plus strand (A>G on the coding strand, the complement: TTN is on the minus strand). VCF-style: chr2-178631252-T-C. GRCh37 (hg19) VCF-style: chr2-179495979-T-C.
Other names: c.38873A>G, p.Glu12958Gly (NM_001256850.1); c.16601A>G, p.Glu5534Gly (NM_003319.4); c.36092A>G, p.Glu12031Gly (NM_133378.4); c.16976A>G, p.Glu5659Gly (NM_133432.3); c.17177A>G, p.Glu5726Gly (NM_133437.4); short protein forms E12031G, E12958G, E14599G, E5534G, E5659G, E5726G.
Identifiers: ClinVar variation 2438320 (VCV002438320.5), dbSNP rs918346918, ClinGen allele CA61001662.

ClinVar aggregate classification (germline): Uncertain significance. Review status: criteria provided, multiple submitters, no conflicts (2 of 4 stars). 2 submissions from 2 submitters: Uncertain significance (2). Last evaluated 2026-07-01.

Conditions:
TTN-related disorder. Also called: TTN-related condition; TTN-related disease; TTN-related disorders.

Allele frequency attached by ClinVar (database versions not stated): TOPMed below 0.00001.
gnomAD v4.1: 1 of 1,612,162 alleles (0.000062%); no homozygotes.

Submissions (2):

PreventionGenetics, part of Exact Sciences
Classification: Uncertain significance for TTN-related condition. Last evaluated: 2026-07-01. Review status: criteria provided, single submitter. Criteria: ACMG Guidelines, 2015. Collection method: clinical testing. Allele origin: germline.
Comment: The TTN c.43796A>G variant is predicted to result in the amino acid substitution p.Glu14599Gly. To our knowledge, this variant has not been reported in the literature or in a large population database (gnomAD), indicating this variant is rare. At this time, the clinical significance of this variant is uncertain due to the absence of conclusive functional and genetic evidence.

Revvity Omics, Revvity
Classification: Uncertain significance. Last evaluated: 2020-12-28. Review status: criteria provided, single submitter. Criteria: ACMG Guidelines, 2015. Collection method: clinical testing. Allele origin: germline.